The following is an entry in ClinVar:

NM_139321.3(ATRN):c.781A>C (p.Lys261Gln)

Gene: ATRN (attractin; plus strand). Cytogenetic location: 20p13.
Variant type: single nucleotide variant.
Coding change: c.781A>C on transcript NM_139321.3 (MANE Select); coding-DNA position 781, A replaced by C.
Protein change: p.Lys261Gln; replaces lysine 261 with glutamine.
Molecular consequence: missense variant.
Genome position (GRCh38, 1-based): chr20:3,547,327, A>C. VCF-style: chr20-3547327-A-C. GRCh37 (hg19) VCF-style: chr20-3527974-A-C.
Other names: c.433A>C, p.Lys145Gln (NM_001207047.3); c.781A>C, p.Lys261Gln (NM_001323332.2, NM_139322.4); short protein forms K261Q, K145Q.
Identifiers: ClinVar variation 1957241 (VCV001957241.5), dbSNP rs1290090939, ClinGen allele CA408253151.
Genomic context (GRCh38, chr20:3,547,327, plus strand): 5'-CCCTGCTATTTTTACAGTTTTGATATGTGTCCAAATAACTGCTCAGGCCGAGGAGAGTGT[A>C]AGATCAGTAATAGCAGCGATACTGTTGAATGTGAATGTTCTGAAAACTGGAAAGGTGAAG-3'
Protein context (NP_647537.1, residues 251-271): PNNCSGRGEC[Lys261Gln]ISNSSDTVEC

ClinVar aggregate classification (germline): Uncertain significance (1 of 4 stars; one submission).

Submission:

Labcorp Genetics (formerly Invitae), Labcorp
Classification: Uncertain significance. Last evaluated: 2024-12-09. Review status: criteria provided, single submitter. Criteria: Invitae Variant Classification Sherloc (09022015). Collection method: clinical testing. Allele origin: germline.
Comment: This sequence change replaces lysine, which is basic and polar, with glutamine, which is neutral and polar, at codon 261 of the ATRN protein (p.Lys261Gln). This variant is not present in population databases (gnomAD no frequency). This variant has not been reported in the literature in individuals affected with ATRN-related conditions. ClinVar contains an entry for this variant (Variation ID: 1957241). An algorithm developed to predict the effect of missense changes on protein structure and function (PolyPhen-2) suggests that this variant is likely to be tolerated. In summary, the available evidence is currently insufficient to determine the role of this variant in disease. Therefore, it has been classified as a Variant of Uncertain Significance.